The following is an entry in ClinVar:

ClinVar aggregate classification (germline): Uncertain significance. Review status: criteria provided, multiple submitters, no conflicts (2 of 4 stars). 6 submissions from 6 submitters: Uncertain significance (6). Last evaluated 2023-08-23.

Conditions:
Inborn genetic diseases. Identifiers: MedGen C0950123, MeSH D030342.
Neuronal ceroid lipofuscinosis. Also called: Neuronal Ceroid Lipofuscinoses. Identifiers: Orphanet 216, Orphanet 79263, MedGen C0027877, MONDO:0016295. Disease mechanism: loss of function.
Neuronal ceroid lipofuscinosis 3 (CLN3). Identifiers: Orphanet 228346, MedGen C0751383, MONDO:0008767, OMIM 204200.

Allele frequency attached by ClinVar (database versions not stated): gnomAD 0.00001; gnomAD exomes 0.00001 and 0.00002; TOPMed 0.00002; ExAC 0.00003.
gnomAD v4.1: 22 of 1,613,264 alleles (0.0014%); highest among the groups gnomAD compares: Admixed American, 0.0017%; no homozygotes.

Submissions (6):

Blueprint Genetics
Classification: Uncertain significance. Last evaluated: 2023-08-23. Review status: criteria provided, single submitter. Criteria: ACMG Guidelines, 2015. Collection method: clinical testing. Allele origin: germline.

Labcorp Genetics (formerly Invitae), Labcorp
Classification: Uncertain significance for Neuronal ceroid lipofuscinosis. Last evaluated: 2022-11-01. Review status: criteria provided, single submitter. Criteria: Invitae Variant Classification Sherloc (09022015). Collection method: clinical testing. Allele origin: germline.
Comment: This sequence change replaces alanine, which is neutral and non-polar, with valine, which is neutral and non-polar, at codon 103 of the CLN3 protein (p.Ala103Val). The frequency data for this variant in the population databases is considered unreliable, as metrics indicate poor data quality at this position in the gnomAD database. This variant has not been reported in the literature in individuals affected with CLN3-related conditions. ClinVar contains an entry for this variant (Variation ID: 318726). Advanced modeling of protein sequence and biophysical properties (such as structural, functional, and spatial information, amino acid conservation, physicochemical variation, residue mobility, and thermodynamic stability) performed at Invitae indicates that this missense variant is not expected to disrupt CLN3 protein function. In summary, the available evidence is currently insufficient to determine the role of this variant in disease. Therefore, it has been classified as a Variant of Uncertain Significance.

Genome-Nilou Lab
Classification: Uncertain significance for Neuronal ceroid lipofuscinosis 3. Last evaluated: 2021-09-05. Review status: criteria provided, single submitter. Criteria: ACMG Guidelines, 2015. Collection method: clinical testing. Allele origin: germline. Affected: no.

Ambry Genetics
Classification: Uncertain significance for Inborn genetic diseases. Last evaluated: 2018-09-29. Review status: criteria provided, single submitter. Criteria: Ambry Variant Classification Scheme 2023. Collection method: clinical testing. Allele origin: germline.
Comment: The p.A103V variant (also known as c.308C>T), located in coding exon 5 of the CLN3 gene, results from a C to T substitution at nucleotide position 308. The alanine at codon 103 is replaced by valine, an amino acid with similar properties. This amino acid position is highly conserved in available vertebrate species. In addition, this alteration is predicted to be deleterious by in silico analysis. Since supporting evidence is limited at this time, the clinical significance of this alteration remains unclear.

Illumina Laboratory Services, Illumina
Classification: Uncertain significance for Neuronal ceroid lipofuscinosis 3. Last evaluated: 2018-01-12. Review status: criteria provided, single submitter. Criteria: ICSL Variant Classification Criteria 13 December 2019. Collection method: clinical testing. Allele origin: germline.

GeneDx
Classification: Uncertain significance. Last evaluated: 2017-02-13. Review status: criteria provided, single submitter. Criteria: GeneDx Variant Classification (06012015). Collection method: clinical testing. Allele origin: germline. Affected: yes.
Comment: A variant of uncertain significance has been identified in the CLN3 gene. The A103V variant has not been published as a pathogenic variant, nor has it been reported as a benign variant to our knowledge. The A103V variant is not observed at a significant frequency in large population cohorts (Lek et al., 2016; 1000 Genomes Consortium et al., 2015; Exome Variant Server). The A103V variant is a conservative amino acid substitution, which is not likely to impact secondary protein structure as these residues share similar properties. However, this substitution occurs at a position that is conserved across species, and in silico analysis predicts this variant is probably damaging to the protein structure/function. Therefore, based on the currently available information, it is unclear whether this variant is a pathogenic variant or a rare benign variant.

NM_001042432.2(CLN3):c.308C>T (p.Ala103Val)

Gene: CLN3 (CLN3 lysosomal/endosomal transmembrane protein, battenin; minus strand). Cytogenetic location: 16p12.1.
Variant type: single nucleotide variant.
Coding change: c.308C>T on transcript NM_001042432.2 (MANE Select); coding-DNA position 308, C replaced by T.
Protein change: p.Ala103Val; replaces alanine 103 with valine.
Molecular consequence: missense variant. On other transcripts: intron variant (1).
Genome position (GRCh38, 1-based): chr16:28,487,728, G>A on the plus strand (C>T on the coding strand, the complement: CLN3 is on the minus strand). VCF-style: chr16-28487728-G-A. GRCh37 (hg19) VCF-style: chr16-28499049-G-A.
Other names: c.308C>T, p.Ala103Val (NM_000086.2); c.236C>T, p.Ala79Val (NM_001286104.2); c.74C>T, p.Ala25Val (NM_001286109.2); c.146C>T, p.Ala49Val (NM_001286110.2); c.75-187C>T (NM_001286105.2); short protein forms A103V, A25V, A49V, A79V.
Identifiers: ClinVar variation 318726 (VCV000318726.17), dbSNP rs760039703, ClinGen allele CA7980975.